The following is an entry in ClinVar:

NM_007294.4(BRCA1):c.719A>C (p.Gln240Pro)

Gene: BRCA1 (BRCA1 DNA repair associated; minus strand). Cytogenetic location: 17q21.31.
Variant type: single nucleotide variant.
Coding change: c.719A>C on transcript NM_007294.4 (MANE Select); coding-DNA position 719, A replaced by C.
Protein change: p.Gln240Pro; replaces glutamine 240 with proline.
Molecular consequence: missense variant. On other transcripts: non-coding transcript variant (1).
Genome position (GRCh38, 1-based): chr17:43,094,812, T>G on the plus strand (A>C on the coding strand, the complement: BRCA1 is on the minus strand). VCF-style: chr17-43094812-T-G. GRCh37 (hg19) VCF-style: chr17-41246829-T-G.
Other names: c.506A>C, p.Gln169Pro (NM_001407898.1, NM_001407899.1, NM_001408490.1 and 12 more transcripts); c.509A>C, p.Gln170Pro (NM_001407900.1, NM_001407906.1, NM_001407907.1 and 25 more transcripts); c.719A>C, p.Gln240Pro (NM_001407975.1, NM_001407976.1, NM_001407977.1 and 54 more transcripts); c.716A>C, p.Gln239Pro (NM_001407984.1, NM_001407985.1, NM_001407986.1 and 38 more transcripts); c.710A>C, p.Gln237Pro (NM_001408408.1, NM_001407646.1, NM_001407647.1); c.641A>C, p.Gln214Pro (NM_001408409.1, NM_001408411.1, NM_001408412.1 and 9 more transcripts); c.578A>C, p.Gln193Pro (NM_001408410.1, NM_001408452.1, NM_001408453.1 and 43 more transcripts); c.638A>C, p.Gln213Pro (NM_001408413.1, NM_001408416.1, NM_001407659.1 and 3 more transcripts); and 14 more; short protein forms Q172P, Q199P, Q151P, Q152P, Q214P, Q112P, Q129P, Q128P.
Identifiers: ClinVar variation 1757611 (VCV001757611.4), dbSNP rs2154495460, ClinGen allele CA10600648.

ClinVar aggregate classification (germline): Conflicting classifications of pathogenicity. Review status: criteria provided, conflicting classifications (1 of 4 stars). 2 submissions from 2 submitters: Uncertain significance (1); Likely benign (1). Last evaluated 2023-03-23.

Conditions:
Hereditary cancer-predisposing syndrome. Also called: Neoplastic Syndromes, Hereditary; Tumor predisposition; Hereditary Cancer Syndrome; Hereditary neoplastic syndrome. Identifiers: Orphanet 140162, MedGen C0027672, MeSH D009386, MONDO:0015356.

Submissions (2):

University of Washington Department of Laboratory Medicine, University of Washington
Classification: Likely benign for Hereditary cancer-predisposing syndrome. Last evaluated: 2023-03-23. Review status: criteria provided, single submitter. Criteria: Dines et al. (Genet Med. 2020). Collection method: curation. Allele origin: germline.
Comment: Missense variant in a coldspot region where missense variants are very unlikely to be pathogenic (PMID:31911673).

BRCA1 coldspot (exon 11 using historical exon numbering). Reclassification based on statistical prior probability

Ambry Genetics
Classification: Uncertain significance for Hereditary cancer-predisposing syndrome. Last evaluated: 2022-08-08. Review status: criteria provided, single submitter. Criteria: Ambry Variant Classification Scheme 2023. Collection method: clinical testing. Allele origin: germline.
Comment: The p.Q240P variant (also known as c.719A>C), located in coding exon 9 of the BRCA1 gene, results from an A to C substitution at nucleotide position 719. The glutamine at codon 240 is replaced by proline, an amino acid with similar properties. This amino acid position is not well conserved in available vertebrate species. In addition, this alteration is predicted to be deleterious by in silico analysis. Since supporting evidence is limited at this time, the clinical significance of this alteration remains unclear.